The following is an entry in ClinVar:

NC_012920.1(MT-CO3):m.9508T>A

Gene: MT-CO3 (mitochondrially encoded cytochrome c oxidase III; plus strand).
Variant type: single nucleotide variant.
Genome position: chrM-9508-T-A.
Identifiers: ClinVar variation 693178 (VCV000693178.1), dbSNP rs1603222350, ClinGen allele CA414803105.
Genomic context (GRCh38, chrMT:9,508, plus strand): 5'-ACGGGATAATCCTATTTATTACCTCAGAAGTTTTTTTCTTCGCAGGATTTTTCTGAGCCT[T>A]TTACCACTCCAGCCTAGCCCCTACCCCCCAATTAGGAGGGCACTGGCCCCCAACAGGCAT-3'

ClinVar aggregate classification (germline): Uncertain significance (1 of 4 stars; one submission).

Conditions:
Leigh syndrome (NULS). Also called: Leigh's necrotizing encephalopathy; Leigh's disease; Leigh Syndrome (mtDNA deletion); Leigh Disease; Subacute necrotizing encephalopathy; Necrotizing encephalopathy infantile subacute of Leigh. Identifiers: Orphanet 506, MedGen C2931891, MONDO:0009723, OMIM 256000.

Submission:

Wong Mito Lab, Molecular and Human Genetics, Baylor College of Medicine
Classification: Uncertain significance for Leigh syndrome. Last evaluated: 2019-10-17. Review status: criteria provided, single submitter. Criteria: Modified ACMG Guidelines (Unpublished). Collection method: clinical testing. Allele origin: germline.
Comment: The NC_012920.1:m.9508T>A (YP_003024032.1:p.Phe101Tyr) variant in MTCO3 gene is interpretated to be a Uncertain Significance variant based on the modified ACMG guidelines (unpublished). This variant meets the following evidence codes: BS4